The following is an entry in ClinVar:

NM_000551.4(VHL):c.222C>G (p.Val74=)

Gene: VHL (von Hippel-Lindau tumor suppressor; plus strand). Cytogenetic location: 3p25.3.
Variant type: single nucleotide variant.
Coding change: c.222C>G on transcript NM_000551.4 (MANE Select); coding-DNA position 222, C replaced by G.
Protein change: p.Val74=; no amino-acid change (valine 74 retained).
Molecular consequence: synonymous variant.
Genome position (GRCh38, 1-based): chr3:10,142,069, C>G. VCF-style: chr3-10142069-C-G. GRCh37 (hg19) VCF-style: chr3-10183753-C-G.
Other names: c.222C>G, p.Val74= (NM_001354723.2, NM_198156.3).
Identifiers: ClinVar variation 698589 (VCV000698589.16), dbSNP rs759737367, ClinGen allele CA039854.
Genomic context (GRCh38, chr3:10,142,069, plus strand): 5'-GGAGGCCGGGCGGCCGCGGCCCGTGCTGCGCTCGGTGAACTCGCGCGAGCCCTCCCAGGT[C>G]ATCTTCTGCAATCGCAGTCCGCGCGTCGTGCTGCCCGTATGGCTCAACTTCGACGGCGAG-3'
Protein context (NP_000542.1, residues 64-84): RSVNSREPSQ[Val74=]IFCNRSPRVV

ClinVar aggregate classification (germline): Benign/Likely benign. Review status: criteria provided, multiple submitters, no conflicts (2 of 4 stars). 4 submissions from 4 submitters: Benign (1); Likely benign (3). Last evaluated 2025-11-26.

Conditions:
Chuvash polycythemia. Also called: POLYCYTHEMIA, VHL-DEPENDENT. Identifiers: Orphanet 238557, MedGen C1837915, MONDO:0009892, OMIM 263400.
Von Hippel-Lindau syndrome (VHLS). Also called: VHL syndrome; Von Hippel-Lindau; von Hippel–Lindau syndrome. Identifiers: Orphanet 892, MedGen C0019562, MONDO:0008667, OMIM 193300. Disease mechanism: loss of function.
Hereditary cancer-predisposing syndrome. Also called: Tumor predisposition; Hereditary neoplastic syndrome; Hereditary Cancer Syndrome; Neoplastic Syndromes, Hereditary. Identifiers: Orphanet 140162, MedGen C0027672, MeSH D009386, MONDO:0015356.

Allele frequency attached by ClinVar (database versions not stated): ExAC 0.00001; gnomAD 0.00001; gnomAD exomes 0.00001; TOPMed 0.00001.
gnomAD v4.1: 8 of 1,607,214 alleles (0.0005%); highest among the groups gnomAD compares: Non-Finnish European, 0.00068%; no homozygotes.

Submissions (5):

Labcorp Genetics (formerly Invitae), Labcorp
Classification: Likely benign for Von Hippel-Lindau syndrome; Chuvash polycythemia. Last evaluated: 2025-11-26. Review status: criteria provided, single submitter. Criteria: Invitae Variant Classification Sherloc (09022015). Collection method: clinical testing. Allele origin: germline.

Color Diagnostics, LLC DBA Color Health
Classification: Likely benign for Von Hippel-Lindau syndrome. Last evaluated: 2025-06-17. Review status: criteria provided, single submitter. Criteria: ACMG Guidelines, 2015. Collection method: clinical testing. Allele origin: germline.

Myriad Genetics, Inc.
Classification: Benign for Von Hippel-Lindau syndrome. Last evaluated: 2025-06-10. Review status: criteria provided, single submitter. Criteria: Myriad Autosomal Dominant, Autosomal Recessive and X-Linked Classification Criteria (2023). Collection method: clinical testing. Allele origin: unknown.
Comment: This variant is considered benign. This variant is a silent/synonymous amino acid change and it is not expected to impact splicing.

Ambry Genetics
Classification: Likely benign for Hereditary cancer-predisposing syndrome. Last evaluated: 2020-01-04. Review status: criteria provided, single submitter. Criteria: Ambry Variant Classification Scheme 2023. Collection method: clinical testing. Allele origin: germline.

Dr. Peter K. Rogan Lab, Western University
No classification provided (evidence only). Condition: Melanoma. Review status: no classification provided. Collection method: in vitro. Allele origin: not applicable. Functional consequence: retained intron. Not counted in ClinVar's aggregate classification.